The following is an entry in ClinVar:

NM_001142864.4(PIEZO1):c.4350A>G (p.Ala1450=)

Gene: PIEZO1 (piezo type mechanosensitive ion channel component 1 (Er blood group); minus strand). Cytogenetic location: 16q24.3.
Variant type: single nucleotide variant.
Coding change: c.4350A>G on transcript NM_001142864.4 (MANE Select); coding-DNA position 4350, A replaced by G.
Protein change: p.Ala1450=; no amino-acid change (alanine 1450 retained).
Molecular consequence: synonymous variant.
Genome position (GRCh38, 1-based): chr16:88,723,314, T>C on the plus strand (A>G on the coding strand, the complement: PIEZO1 is on the minus strand). VCF-style: chr16-88723314-T-C. GRCh37 (hg19) VCF-style: chr16-88789722-T-C.
Other names: c.2892A>G, p.Ala964= (NM_014745.1).
Identifiers: ClinVar variation 2646997 (VCV002646997.24), dbSNP rs1378724295, ClinGen allele CA497076511.

ClinVar aggregate classification (germline): Likely benign (1 of 4 stars; one submission).

Submission:

CeGaT Center for Human Genetics Tuebingen
Classification: Likely benign. Last evaluated: 2023-08-01. Review status: criteria provided, single submitter. Criteria: CeGaT Center For Human Genetics Tuebingen Variant Classification Criteria Version 2. Collection method: clinical testing. Allele origin: germline. Affected: yes. Observed: 1 variant allele.
Comment: PIEZO1: BP4, BP7